The following is an entry in ClinVar:

ClinVar aggregate classification (germline): Uncertain significance (1 of 4 stars; one submission).

gnomAD v4.1: 2 of 1,613,754 alleles (0.00012%); highest among the groups gnomAD compares: Non-Finnish European, 0.00017%; no homozygotes.

Submission:

Labcorp Genetics (formerly Invitae), Labcorp
Classification: Uncertain significance. Last evaluated: 2022-10-24. Review status: criteria provided, single submitter. Criteria: Invitae Variant Classification Sherloc (09022015). Collection method: clinical testing. Allele origin: germline.
Comment: This variant has not been reported in the literature in individuals affected with PEPD-related conditions. ClinVar contains an entry for this variant (Variation ID: 1501207). Advanced modeling of protein sequence and biophysical properties (such as structural, functional, and spatial information, amino acid conservation, physicochemical variation, residue mobility, and thermodynamic stability) performed at Invitae indicates that this missense variant is not expected to disrupt PEPD protein function. In summary, the available evidence is currently insufficient to determine the role of this variant in disease. Therefore, it has been classified as a Variant of Uncertain Significance. This variant is not present in population databases (gnomAD no frequency). This sequence change replaces valine, which is neutral and non-polar, with isoleucine, which is neutral and non-polar, at codon 63 of the PEPD protein (p.Val63Ile).

NM_000285.4(PEPD):c.187G>A (p.Val63Ile)

Gene: PEPD (peptidase D; minus strand). Cytogenetic location: 19q13.11.
Variant type: single nucleotide variant.
Coding change: c.187G>A on transcript NM_000285.4 (MANE Select); coding-DNA position 187, G replaced by A.
Protein change: p.Val63Ile; replaces valine 63 with isoleucine.
Molecular consequence: missense variant.
Genome position (GRCh38, 1-based): chr19:33,512,607, C>T on the plus strand (G>A on the coding strand, the complement: PEPD is on the minus strand). VCF-style: chr19-33512607-C-T. GRCh37 (hg19) VCF-style: chr19-34003513-C-T.
Other names: c.187G>A, p.Val63Ile (NM_001166056.2, NM_001166057.2); short protein forms V63I.
Identifiers: ClinVar variation 1501207 (VCV001501207.8), dbSNP rs778585918, ClinGen allele CA405232922.